The following is an entry in ClinVar:

ClinVar aggregate classification (germline): Uncertain significance. Review status: criteria provided, multiple submitters, no conflicts (2 of 4 stars). 2 submissions from 2 submitters: Uncertain significance (2). Last evaluated 2025-10-07.

Conditions:
Familial acute necrotizing encephalopathy (IIAE3). Also called: ENCEPHALOPATHY, ACUTE, INFECTION-INDUCED, SUSCEPTIBILITY TO, 3; Susceptibility to Acute Necrotizing Encephalopathy 1. Identifiers: Orphanet 88619, MedGen C2675556, MONDO:0011953, OMIM 608033.

Allele frequency attached by ClinVar (database versions not stated): gnomAD exomes below 0.00001 and 0.00001; gnomAD 0.00001 and 0.00002; ExAC 0.00002; TOPMed 0.00003; 1000 Genomes Project 0.00040; 1000 Genomes Project 30x 0.00062.

Submissions (2):

Ambry Genetics
Classification: Uncertain significance. Last evaluated: 2025-10-07. Review status: criteria provided, single submitter. Criteria: Ambry Variant Classification Scheme 2023. Collection method: clinical testing. Allele origin: germline.

Labcorp Genetics (formerly Invitae), Labcorp
Classification: Uncertain significance for Familial acute necrotizing encephalopathy. Last evaluated: 2020-07-09. Review status: criteria provided, single submitter. Criteria: Invitae Variant Classification Sherloc (09022015). Collection method: clinical testing. Allele origin: germline.
Comment: In summary, the available evidence is currently insufficient to determine the role of this variant in disease. Therefore, it has been classified as a Variant of Uncertain Significance. Algorithms developed to predict the effect of missense changes on protein structure and function output the following: SIFT: "Deleterious"; PolyPhen-2: "Benign"; Align-GVGD: "Class C0". The leucine amino acid residue is found in multiple mammalian species, suggesting that this missense change does not adversely affect protein function. These predictions have not been confirmed by published functional studies and their clinical significance is uncertain. This variant has not been reported in the literature in individuals with RANBP2-related conditions. The frequency data for this variant in the population databases is considered unreliable, as metrics indicate poor data quality at this position in the ExAC database. This sequence change replaces methionine with leucine at codon 1661 of the RANBP2 protein (p.Met1661Leu). The methionine residue is highly conserved and there is a small physicochemical difference between methionine and leucine.

NM_006267.5(RANBP2):c.4981A>C (p.Met1661Leu)

Gene: RANBP2 (RAN binding protein 2; plus strand). Cytogenetic location: 2q13.
Variant type: single nucleotide variant.
Coding change: c.4981A>C on transcript NM_006267.5 (MANE Select); coding-DNA position 4981, A replaced by C.
Protein change: p.Met1661Leu; replaces methionine 1661 with leucine.
Molecular consequence: missense variant.
Genome position (GRCh38, 1-based): chr2:108,765,520, A>C. VCF-style: chr2-108765520-A-C. GRCh37 (hg19) VCF-style: chr2-109381976-A-C.
Other names: c.4981A>C (NM_006267.4); short protein forms M1661L.
Identifiers: ClinVar variation 1022419 (VCV001022419.11), dbSNP rs551971749, ClinGen allele CA1823207.
Genomic context (GRCh38, chr2:108,765,520, plus strand): 5'-GCAGTTTCAACACCTGCCTCTTCAGAGACAAGCAAGGCTCCAAAGAGCGGATTTGAGGGA[A>C]TGTTCACTAAGAAGGAGGGACAGTGGGATTGCAGTGTGTGCTTAGTAAGAAATGAAGCCA-3'
Protein context (NP_006258.3, residues 1651-1671): SKAPKSGFEG[Met1661Leu]FTKKEGQWDC